The following is an entry in ClinVar:

NM_001042492.3(NF1):c.7846_7851delinsAGTA (p.Gln2616fs)

Gene: NF1 (neurofibromin 1; plus strand). Cytogenetic location: 17q11.2.
Variant type: Indel.
Coding change: c.7846_7851delinsAGTA on transcript NM_001042492.3 (MANE Select); coding-DNA positions 7846 to 7851, CAGGCG replaced by AGTA.
Protein change: p.Gln2616fs; shifts the reading frame from glutamine 2616.
Molecular consequence: frameshift variant.
Genome position (GRCh38, 1-based): chr17:31,357,067-31,357,072, CAGGCG replaced by AGTA. VCF-style: chr17-31357067-CAGGCG-AGTA. GRCh37 (hg19) VCF-style: chr17-29684085-CAGGCG-AGTA.
Other names: c.7783_7788delinsAGTA, p.Gln2595fs (NM_000267.4); c.7846_7851delCAGGCGinsAGTA (NM_001042492.3); short protein forms Q2595fs, Q2616fs.
Identifiers: ClinVar variation 4857603 (VCV004857603.1).

ClinVar aggregate classification (germline): Likely pathogenic (1 of 4 stars; one submission).

Conditions:
Neurofibromatosis, type 1 (NF1). Also called: NEUROFIBROMATOSIS, TYPE I, SOMATIC; Peripheral type neurofibromatosis; Neurofibromatosis, type I; VON RECKLINGHAUSEN DISEASE. Identifiers: Orphanet 636, MedGen C0027831, MONDO:0018975, OMIM 162200. Disease mechanism: loss of function.

Submission:

Regional Center For Medical Genetics Timis, Louis Turcanu Emergency Hospital for Children Timisoara
Classification: Likely pathogenic for Neurofibromatosis, type 1. Review status: criteria provided, single submitter. Criteria: ACMG Guidelines, 2015. Collection method: clinical testing. Allele origin: unknown. Affected: yes.
Comment: The variant is absent from the presumed healthy population (gnomAD). The variant introduces a premature stop codon into the sequence, leading to loss of function as a consequence of the reading frame shift. Loss-of-function variants in NF1 are well established as pathogenic. To the best of our knowledge, this variant has not been previously reported in the literature in individuals with neurofibromatosis type 1. Therefore, the variant was classified as likely pathogenic.